The following is an entry in ClinVar:

NM_001040142.2(SCN2A):c.4141A>T (p.Asn1381Tyr)

Gene: SCN2A (sodium voltage-gated channel alpha subunit 2; plus strand). Cytogenetic location: 2q24.3.
Variant type: single nucleotide variant.
Coding change: c.4141A>T on transcript NM_001040142.2 (MANE Select); coding-DNA position 4141, A replaced by T.
Protein change: p.Asn1381Tyr; replaces asparagine 1381 with tyrosine.
Molecular consequence: missense variant.
Genome position (GRCh38, 1-based): chr2:165,374,853, A>T. VCF-style: chr2-165374853-A-T. GRCh37 (hg19) VCF-style: chr2-166231363-A-T.
Other names: c.4141A>T, p.Asn1381Tyr (NM_001040143.2, NM_001371246.1, NM_001371247.1 and 1 more transcripts); short protein forms N1381Y.
Identifiers: ClinVar variation 3753094 (VCV003753094.15).

ClinVar aggregate classification (germline): Uncertain significance. Review status: criteria provided, multiple submitters, no conflicts (2 of 4 stars). 2 submissions from 2 submitters: Uncertain significance (2). Last evaluated 2025-01-12.

Conditions:
Seizures, benign familial infantile, 3 (BFIS3). Also called: CONVULSIONS, BENIGN FAMILIAL INFANTILE, 3; Familial neonatal seizures. Identifiers: Orphanet 140927, Orphanet 306, MedGen C1843140, MONDO:0011904, OMIM 607745.
Developmental and epileptic encephalopathy, 11 (DEE11). Also called: Early infantile epileptic encephalopathy 11. Identifiers: Orphanet 1934, MedGen C3150987, MONDO:0013388, OMIM 613721.

Submissions (2):

Labcorp Genetics (formerly Invitae), Labcorp
Classification: Uncertain significance for Seizures, benign familial infantile, 3; Developmental and epileptic encephalopathy, 11. Last evaluated: 2025-01-12. Review status: criteria provided, single submitter. Criteria: Invitae Variant Classification Sherloc (09022015). Collection method: clinical testing. Allele origin: germline.
Comment: This sequence change replaces asparagine, which is neutral and polar, with tyrosine, which is neutral and polar, at codon 1381 of the SCN2A protein (p.Asn1381Tyr). This variant is not present in population databases (gnomAD no frequency). This variant has not been reported in the literature in individuals affected with SCN2A-related conditions. Invitae Evidence Modeling of protein sequence and biophysical properties (such as structural, functional, and spatial information, amino acid conservation, physicochemical variation, residue mobility, and thermodynamic stability) has been performed for this missense variant. However, the output from this modeling did not meet the statistical confidence thresholds required to predict the impact of this variant on SCN2A protein function. In summary, the available evidence is currently insufficient to determine the role of this variant in disease. Therefore, it has been classified as a Variant of Uncertain Significance.

CeGaT Center for Human Genetics Tuebingen
Classification: Uncertain significance. Last evaluated: 2025-01-01. Review status: criteria provided, single submitter. Criteria: CeGaT Center For Human Genetics Tuebingen Variant Classification Criteria Version 2. Collection method: clinical testing. Allele origin: germline. Affected: yes. Observed: 1 variant allele.
Comment: SCN2A: PM2, PP2